The following is an entry in ClinVar:

ClinVar aggregate classification (germline): Uncertain significance (1 of 4 stars; one submission).

Allele frequency attached by ClinVar (database versions not stated): gnomAD exomes 0.00001 and 0.00002; TOPMed 0.00001; gnomAD 0.00003 and 0.00004; ExAC 0.00004; ESP Exome Variant Server 0.00008.
gnomAD v4.1: 30 of 1,601,434 alleles (0.0019%); highest among the groups gnomAD compares: African/African-American, 0.0027%; no homozygotes.

Submission:

Labcorp Genetics (formerly Invitae), Labcorp
Classification: Uncertain significance. Last evaluated: 2021-11-26. Review status: criteria provided, single submitter. Criteria: Invitae Variant Classification Sherloc (09022015). Collection method: clinical testing. Allele origin: germline.
Comment: This sequence change replaces glycine, which is neutral and non-polar, with serine, which is neutral and polar, at codon 325 of the RASGRP1 protein (p.Gly325Ser). The frequency data for this variant in the population databases is considered unreliable, as metrics indicate poor data quality at this position in the gnomAD database. This variant has not been reported in the literature in individuals affected with RASGRP1-related conditions. Algorithms developed to predict the effect of missense changes on protein structure and function output the following: SIFT: "Tolerated"; PolyPhen-2: "Benign"; Align-GVGD: "Class C0". The serine amino acid residue is found in multiple mammalian species, which suggests that this missense change does not adversely affect protein function. Algorithms developed to predict the effect of sequence changes on RNA splicing suggest that this variant may create or strengthen a splice site. In summary, the available evidence is currently insufficient to determine the role of this variant in disease. Therefore, it has been classified as a Variant of Uncertain Significance.

NM_005739.4(RASGRP1):c.973G>A (p.Gly325Ser)

Gene: RASGRP1 (RAS guanyl releasing protein 1; minus strand). Cytogenetic location: 15q14.
Variant type: single nucleotide variant.
Coding change: c.973G>A on transcript NM_005739.4 (MANE Select); coding-DNA position 973, G replaced by A.
Protein change: p.Gly325Ser; replaces glycine 325 with serine.
Molecular consequence: missense variant.
Genome position (GRCh38, 1-based): chr15:38,507,995, C>T on the plus strand (G>A on the coding strand, the complement: RASGRP1 is on the minus strand). VCF-style: chr15-38507995-C-T. GRCh37 (hg19) VCF-style: chr15-38800196-C-T.
Other names: c.973G>A, p.Gly325Ser (NM_001128602.2, NM_001306086.2); short protein forms G325S.
Identifiers: ClinVar variation 1357583 (VCV001357583.3), dbSNP rs372568458, ClinGen allele CA7470983.
Genomic context (GRCh38, chr15:38,507,995, plus strand): 5'-CATAGGCTCGCCGGTAATTGTCGTAGTTTCTGGAGGAGGACAGCAGCTCAGTCATCTCAC[C>T]GAGAACCTACAAAGCAGAACAGACCAATCACAGGTACCCGCTAGGCAGTGTGCATTGTCT-3'
Protein context (NP_005730.2, residues 315-335): HVPHEINKVL[Gly325Ser]EMTELLSSSR